The following is an entry in ClinVar:

ClinVar aggregate classification (germline): Uncertain significance (1 of 4 stars; one submission).

Conditions:
Baller-Gerold syndrome (BGS). Also called: CRANIOSYNOSTOSIS WITH RADIAL DEFECTS. Identifiers: Orphanet 1225, MedGen C0265308, MONDO:0009039, OMIM 218600.

Submission:

Labcorp Genetics (formerly Invitae), Labcorp
Classification: Uncertain significance for Baller-Gerold syndrome. Last evaluated: 2025-07-09. Review status: criteria provided, single submitter. Criteria: Invitae Variant Classification Sherloc (09022015). Collection method: clinical testing. Allele origin: germline.
Comment: This sequence change replaces alanine, which is neutral and non-polar, with glutamic acid, which is acidic and polar, at codon 368 of the RECQL4 protein (p.Ala368Glu). This variant is not present in population databases (gnomAD no frequency). This variant has not been reported in the literature in individuals affected with RECQL4-related conditions. ClinVar contains an entry for this variant (Variation ID: 857004). Invitae Evidence Modeling of protein sequence and biophysical properties (such as structural, functional, and spatial information, amino acid conservation, physicochemical variation, residue mobility, and thermodynamic stability) indicates that this missense variant is expected to disrupt RECQL4 protein function with a positive predictive value of 80%. In summary, the available evidence is currently insufficient to determine the role of this variant in disease. Therefore, it has been classified as a Variant of Uncertain Significance.

NM_004260.4(RECQL4):c.1103C>A (p.Ala368Glu)

Gene: RECQL4 (RecQ like helicase 4; minus strand). Cytogenetic location: 8q24.3.
Variant type: single nucleotide variant.
Coding change: c.1103C>A on transcript NM_004260.4 (MANE Select); coding-DNA position 1103, C replaced by A.
Protein change: p.Ala368Glu; replaces alanine 368 with glutamic acid.
Molecular consequence: missense variant.
Genome position (GRCh38, 1-based): chr8:144,516,016, G>T on the plus strand (C>A on the coding strand, the complement: RECQL4 is on the minus strand). VCF-style: chr8-144516016-G-T. GRCh37 (hg19) VCF-style: chr8-145741400-G-T.
Other names: short protein forms A368E.
Identifiers: ClinVar variation 857004 (VCV000857004.6), dbSNP rs1564805178, ClinGen allele CA372688030.